The following is an entry in ClinVar:

ClinVar aggregate classification (germline): Likely benign (0 of 4 stars; one submission).

Conditions:
NCAPD3-related disorder. Also called: NCAPD3-related condition.

gnomAD v4.1: 125 of 1,611,098 alleles (0.0078%); highest among the groups gnomAD compares: African/African-American, 0.15%; no homozygotes.

Submission:

PreventionGenetics, part of Exact Sciences
Classification: Likely benign for NCAPD3-related condition. Last evaluated: 2024-09-06. Review status: no assertion criteria provided. Collection method: clinical testing. Allele origin: germline.
Comment: This variant is classified as likely benign based on ACMG/AMP sequence variant interpretation guidelines (Richards et al. 2015 PMID: 25741868, with internal and published modifications).

NM_015261.3(NCAPD3):c.565G>C (p.Glu189Gln)

Gene: NCAPD3 (non-SMC condensin II complex subunit D3; minus strand). Cytogenetic location: 11q25.
Variant type: single nucleotide variant.
Coding change: c.565G>C on transcript NM_015261.3 (MANE Select); coding-DNA position 565, G replaced by C.
Protein change: p.Glu189Gln; replaces glutamic acid 189 with glutamine.
Molecular consequence: missense variant.
Genome position (GRCh38, 1-based): chr11:134,210,272, C>G on the plus strand (G>C on the coding strand, the complement: NCAPD3 is on the minus strand). VCF-style: chr11-134210272-C-G. GRCh37 (hg19) VCF-style: chr11-134080166-C-G.
Other names: c.565G>C, p.Glu189Gln (NM_001372065.1, NM_001372068.1); c.151G>C, p.Glu51Gln (NM_001372069.1, NM_001372070.1); short protein forms E189Q, E51Q.
Identifiers: ClinVar variation 3346677 (VCV003346677.1).